The following is an entry in ClinVar:

NM_017619.4(RNPC3):c.1024A>C (p.Asn342His)

Gene: RNPC3 (RNA binding region (RNP1, RRM) containing 3; plus strand). Cytogenetic location: 1p21.1.
Variant type: single nucleotide variant.
Coding change: c.1024A>C on transcript NM_017619.4 (MANE Select); coding-DNA position 1024, A replaced by C.
Protein change: p.Asn342His; replaces asparagine 342 with histidine.
Molecular consequence: missense variant.
Genome position (GRCh38, 1-based): chr1:103,543,426, A>C. VCF-style: chr1-103543426-A-C. GRCh37 (hg19) VCF-style: chr1-104086048-A-C.
Other names: short protein forms N342H.
Identifiers: ClinVar variation 3045438 (VCV003045438.4), dbSNP rs186426068, ClinGen allele CA975712.

ClinVar aggregate classification (germline): Uncertain significance. Review status: criteria provided, multiple submitters, no conflicts (2 of 4 stars). 3 submissions from 3 submitters: Uncertain significance (2). 1 of the submissions does not count toward it. Last evaluated 2026-08-06.

Conditions:
Isolated growth hormone deficiency, type 5. Also called: PITUITARY HORMONE DEFICIENCY, COMBINED OR ISOLATED, 7. Identifiers: MedGen C4748435, MONDO:0032569, OMIM 618160.
Pituitary hormone deficiency.
RNPC3-related disorder. Also called: RNPC3-related condition.

Allele frequency attached by ClinVar (database versions not stated): 1000 Genomes Project 30x 0.00031; ExAC 0.00046; gnomAD 0.00089; TOPMed 0.00102; gnomAD exomes 0.00155.
gnomAD v4.1: 2,202 of 1,510,122 alleles (0.15%); highest among the groups gnomAD compares: Non-Finnish European, 0.19%; 6 homozygotes.

Submissions (3):

NHS Central & South Genomic Laboratory Hub
Classification: Uncertain significance for Pituitary hormone deficiency. Last evaluated: 2026-08-06. Review status: criteria provided, single submitter. Criteria: ACMG Guidelines, 2015. Collection method: clinical testing. Allele origin: germline. Affected: yes.

Department of Pathology and Laboratory Medicine, Sinai Health System
Classification: Uncertain significance for Isolated growth hormone deficiency, type 5. Last evaluated: 2021-07-30. Review status: criteria provided, single submitter. Criteria: ACMG Guidelines, 2015. Collection method: research. Allele origin: germline.

PreventionGenetics, part of Exact Sciences
Classification: Likely benign for RNPC3-related condition. Last evaluated: 2023-06-05. Review status: no assertion criteria provided. Collection method: clinical testing. Allele origin: germline. Not counted in ClinVar's aggregate classification.
Comment: This variant is classified as likely benign based on ACMG/AMP sequence variant interpretation guidelines (Richards et al. 2015 PMID: 25741868, with internal and published modifications).